The following is an entry in ClinVar:

NM_014264.5(PLK4):c.2482A>G (p.Thr828Ala)

Gene: PLK4 (polo like kinase 4; plus strand). Cytogenetic location: 4q28.1.
Variant type: single nucleotide variant.
Coding change: c.2482A>G on transcript NM_014264.5 (MANE Select); coding-DNA position 2482, A replaced by G.
Protein change: p.Thr828Ala; replaces threonine 828 with alanine.
Molecular consequence: missense variant.
Genome position (GRCh38, 1-based): chr4:127,893,801, A>G. VCF-style: chr4-127893801-A-G. GRCh37 (hg19) VCF-style: chr4-128814956-A-G.
Other names: c.2359A>G, p.Thr787Ala (NM_001190801.2); c.2386A>G, p.Thr796Ala (NM_001190799.2); short protein forms T828A, T787A, T796A.
Identifiers: ClinVar variation 937675 (VCV000937675.6), dbSNP rs757268525, ClinGen allele CA3077074.

ClinVar aggregate classification (germline): Uncertain significance. Review status: criteria provided, multiple submitters, no conflicts (2 of 4 stars). 2 submissions from 2 submitters: Uncertain significance (2). Last evaluated 2025-08-14.

Conditions:
Inborn genetic diseases. Identifiers: MedGen C0950123, MeSH D030342.

Allele frequency attached by ClinVar (database versions not stated): gnomAD exomes 0.00002; ExAC 0.00003; gnomAD 0.00003 and 0.00004; TOPMed 0.00003.

Submissions (2):

Labcorp Genetics (formerly Invitae), Labcorp
Classification: Uncertain significance. Last evaluated: 2025-08-14. Review status: criteria provided, single submitter. Criteria: Invitae Variant Classification Sherloc (09022015). Collection method: clinical testing. Allele origin: germline.
Comment: This sequence change replaces threonine, which is neutral and polar, with alanine, which is neutral and non-polar, at codon 828 of the PLK4 protein (p.Thr828Ala). This variant is present in population databases (rs757268525, gnomAD 0.004%). This variant has not been reported in the literature in individuals affected with PLK4-related conditions. ClinVar contains an entry for this variant (Variation ID: 937675). An algorithm developed to predict the effect of missense changes on protein structure and function (PolyPhen-2) suggests that this variant is likely to be tolerated. In summary, the available evidence is currently insufficient to determine the role of this variant in disease. Therefore, it has been classified as a Variant of Uncertain Significance.

Ambry Genetics
Classification: Uncertain significance for Inborn genetic diseases. Last evaluated: 2025-07-12. Review status: criteria provided, single submitter. Criteria: Ambry Variant Classification Scheme 2023. Collection method: clinical testing. Allele origin: germline.